The following is an entry in ClinVar:

ClinVar aggregate classification (germline): Uncertain significance. Review status: criteria provided, multiple submitters, no conflicts (2 of 4 stars). 3 submissions from 3 submitters: Uncertain significance (3). Last evaluated 2025-01-07.

Conditions:
Neuronopathy, distal hereditary motor, autosomal recessive 4. Also called: NEUROPATHY, DISTAL HEREDITARY MOTOR, AUTOSOMAL RECESSIVE 4; Autosomal recessive lower motor neuron disease with childhood onset. Identifiers: Orphanet 206580, MedGen C1970211, MONDO:0012608, OMIM 611067.
Charcot-Marie-Tooth disease recessive intermediate C. Also called: CHARCOT-MARIE-TOOTH NEUROPATHY, RECESSIVE INTERMEDIATE C. Identifiers: Orphanet 369867, MedGen C3809309, MONDO:0014154, OMIM 615376.
Inborn genetic diseases. Identifiers: MedGen C0950123, MeSH D030342.

gnomAD v4.1: 10 of 1,613,648 alleles (0.00062%); highest among the groups gnomAD compares: Admixed American, 0.01%; no homozygotes.

Submissions (3):

Ambry Genetics
Classification: Uncertain significance for Inborn genetic diseases. Last evaluated: 2025-01-07. Review status: criteria provided, single submitter. Criteria: Ambry Variant Classification Scheme 2023. Collection method: clinical testing. Allele origin: germline.

Labcorp Genetics (formerly Invitae), Labcorp
Classification: Uncertain significance for Neuronopathy, distal hereditary motor, autosomal recessive 4; Charcot-Marie-Tooth disease recessive intermediate C. Last evaluated: 2022-07-09. Review status: criteria provided, single submitter. Criteria: Invitae Variant Classification Sherloc (09022015). Collection method: clinical testing. Allele origin: germline.
Comment: This sequence change replaces arginine, which is basic and polar, with serine, which is neutral and polar, at codon 690 of the PLEKHG5 protein (p.Arg690Ser). The frequency data for this variant in the population databases is considered unreliable, as metrics indicate poor data quality at this position in the gnomAD database. This variant has not been reported in the literature in individuals affected with PLEKHG5-related conditions. Algorithms developed to predict the effect of missense changes on protein structure and function are either unavailable or do not agree on the potential impact of this missense change (SIFT: "Tolerated"; PolyPhen-2: "Possibly Damaging"; Align-GVGD: "Class C0"). In summary, the available evidence is currently insufficient to determine the role of this variant in disease. Therefore, it has been classified as a Variant of Uncertain Significance.

GeneDx
Classification: Uncertain significance. Last evaluated: 2022-06-21. Review status: criteria provided, single submitter. Criteria: GeneDx Variant Classification Process June 2021. Collection method: clinical testing. Allele origin: germline. Affected: yes.
Comment: Not observed at significant frequency in large population cohorts (gnomAD); In silico analysis supports that this missense variant has a deleterious effect on protein structure/function; Has not been previously published as pathogenic or benign to our knowledge

NM_020631.6(PLEKHG5):c.2068C>A (p.Arg690Ser)

Gene: PLEKHG5 (pleckstrin homology and RhoGEF domain containing G5; minus strand). Cytogenetic location: 1p36.31.
Variant type: single nucleotide variant.
Coding change: c.2068C>A on transcript NM_020631.6 (MANE Select); coding-DNA position 2068, C replaced by A.
Protein change: p.Arg690Ser; replaces arginine 690 with serine.
Molecular consequence: missense variant.
Genome position (GRCh38, 1-based): chr1:6,469,223, G>T on the plus strand (C>A on the coding strand, the complement: PLEKHG5 is on the minus strand). VCF-style: chr1-6469223-G-T. GRCh37 (hg19) VCF-style: chr1-6529283-G-T.
Other names: c.2179C>A, p.Arg727Ser (NM_001042663.3, NM_001265592.2); c.2068C>A, p.Arg690Ser (NM_001042664.2, NM_001042665.2, NM_001265594.3 and 1 more transcripts); c.2275C>A, p.Arg759Ser (NM_001265593.2); short protein forms R690S, R727S, R759S.
Identifiers: ClinVar variation 1806756 (VCV001806756.4), dbSNP rs149089640, ClinGen allele CA561262.